The following is an entry in ClinVar:

ClinVar aggregate classification (germline): Conflicting classifications of pathogenicity. Review status: criteria provided, conflicting classifications (1 of 4 stars). 5 submissions from 5 submitters: Uncertain significance (1); Likely benign (3). 1 of the submissions does not count toward it. Last evaluated 2025-04-23.

Conditions:
JAG1-related disorder. Also called: JAG1-related disorders; JAG1-related condition.
Alagille syndrome due to a JAG1 point mutation. Also called: Alagille Syndrome 1; HEPATIC DUCTULAR HYPOPLASIA, SYNDROMATIC; JAG1-Related Alagille Syndrome. Identifiers: Orphanet 261619, Orphanet 52, MedGen C1956125, MONDO:0016862, OMIM 118450.
Cardiovascular phenotype. Identifiers: MedGen CN230736.

Allele frequency attached by ClinVar (database versions not stated): gnomAD 0.00001 and 0.00005; gnomAD exomes 0.00002 and 0.00006; TOPMed 0.00003; ExAC 0.00004; 1000 Genomes Project 30x 0.00016; 1000 Genomes Project 0.00020.

Submissions (5):

Labcorp Genetics (formerly Invitae), Labcorp
Classification: Likely benign for Alagille syndrome due to a JAG1 point mutation. Last evaluated: 2025-04-23. Review status: criteria provided, single submitter. Criteria: Invitae Variant Classification Sherloc (09022015). Collection method: clinical testing. Allele origin: germline.

Ambry Genetics
Classification: Likely benign for Cardiovascular phenotype. Last evaluated: 2023-05-11. Review status: criteria provided, single submitter. Criteria: Ambry Variant Classification Scheme 2023. Collection method: clinical testing. Allele origin: germline.

Blueprint Genetics
Classification: Likely benign. Last evaluated: 2020-09-30. Review status: criteria provided, single submitter. Criteria: ACMG Guidelines, 2015. Collection method: clinical testing. Allele origin: germline.

Eurofins Ntd Llc (ga)
Classification: Uncertain significance. Last evaluated: 2018-03-08. Review status: criteria provided, single submitter. Criteria: EGL ClinVar v180209 classification definitions. Collection method: clinical testing. Allele origin: germline. Observed: 4 variant alleles, 4 heterozygotes.

PreventionGenetics, part of Exact Sciences
Classification: Likely benign for JAG1-related condition. Last evaluated: 2021-07-12. Review status: no assertion criteria provided. Collection method: clinical testing. Allele origin: germline. Not counted in ClinVar's aggregate classification.
Comment: This variant is classified as likely benign based on ACMG/AMP sequence variant interpretation guidelines (Richards et al. 2015 PMID: 25741868, with internal and published modifications).

NM_000214.3(JAG1):c.2148C>T (p.Asn716=)

Gene: JAG1 (jagged canonical Notch ligand 1; minus strand). Cytogenetic location: 20p12.2.
Variant type: single nucleotide variant.
Coding change: c.2148C>T on transcript NM_000214.3 (MANE Select); coding-DNA position 2148, C replaced by T.
Protein change: p.Asn716=; no amino-acid change (asparagine 716 retained).
Molecular consequence: synonymous variant.
Genome position (GRCh38, 1-based): chr20:10,645,222, G>A on the plus strand (C>T on the coding strand, the complement: JAG1 is on the minus strand). VCF-style: chr20-10645222-G-A. GRCh37 (hg19) VCF-style: chr20-10625870-G-A.
Other names: c.2148C>T, p.Asn716= (LRG_1191t1); c.2148C>T (NM_000214.2).
Identifiers: ClinVar variation 596446 (VCV000596446.17), dbSNP rs550565756, ClinGen allele CA9764616.